The following is an entry in ClinVar:

ClinVar aggregate classification (germline): Uncertain significance (1 of 4 stars; one submission).

Conditions:
Inborn genetic diseases. Identifiers: MedGen C0950123, MeSH D030342.

Submission:

Ambry Genetics
Classification: Uncertain significance for Inborn genetic diseases. Last evaluated: 2022-07-13. Review status: criteria provided, single submitter. Criteria: Ambry Variant Classification Scheme 2023. Collection method: clinical testing. Allele origin: germline.
Comment: The c.355C>A (p.P119T) alteration is located in exon 2 (coding exon 2) of the EFNB1 gene. This alteration results from a C to A substitution at nucleotide position 355, causing the proline (P) at amino acid position 119 to be replaced by a threonine (T). This variant was not reported in population-based cohorts in the Genome Aggregation Database (gnomAD). Other alterations at the same codon, c.355C>T (p.P119S), c.355C>G (p.P119A), and c.356C>A (p.P119H), have also been reported in association with craniofrontonasal dysplasia (Twigg, 2004; Wieland, 2005; Twigg, 2006). This amino acid position is highly conserved in available vertebrate species. Based on internal structural analysis, the p.P119T alteration is disruptive to a conserved region of the ephrin-receptor binding interface (Himanen, 2001; Twigg, 2004; Pryce, 2020). This alteration is predicted to be deleterious by in silico analysis. Based on insufficient or conflicting evidence, the clinical significance of this alteration remains unclear.

Literature cited by the submitters: PubMed 11780069; PubMed 15166289; PubMed 15959873; PubMed 16685650; PubMed 31862858.

NM_004429.5(EFNB1):c.355C>A (p.Pro119Thr)

Gene: EFNB1 (ephrin B1; plus strand). Cytogenetic location: Xq13.1.
Variant type: single nucleotide variant.
Coding change: c.355C>A on transcript NM_004429.5 (MANE Select); coding-DNA position 355, C replaced by A.
Protein change: p.Pro119Thr; replaces proline 119 with threonine.
Molecular consequence: missense variant.
Genome position (GRCh38, 1-based): chrX:68,838,843, C>A. VCF-style: chrX-68838843-C-A. GRCh37 (hg19) VCF-style: chrX-68058686-C-A.
Other names: short protein forms P119T.
Identifiers: ClinVar variation 2295263 (VCV002295263.2), dbSNP rs2519538337, ClinGen allele CA413437755.